The following is an entry in ClinVar:

ClinVar aggregate classification (germline): Uncertain significance. Review status: criteria provided, multiple submitters, no conflicts (2 of 4 stars). 2 submissions from 2 submitters: Uncertain significance (2). Last evaluated 2023-05-30.

Conditions:
Epidermodysplasia verruciformis. Identifiers: Orphanet 302, MedGen C0014522, MONDO:0009176.
Inborn genetic diseases. Identifiers: MedGen C0950123, MeSH D030342.

Allele frequency attached by ClinVar (database versions not stated): gnomAD exomes 0.00001 and 0.00002; gnomAD 0.00002; TOPMed 0.00002.
gnomAD v4.1: 14 of 1,613,458 alleles (0.00087%); highest among the groups gnomAD compares: East Asian, 0.013%; no homozygotes.

Submissions (2):

Ambry Genetics
Classification: Uncertain significance for Inborn genetic diseases. Last evaluated: 2023-05-30. Review status: criteria provided, single submitter. Criteria: Ambry Variant Classification Scheme 2023. Collection method: clinical testing. Allele origin: germline.

Labcorp Genetics (formerly Invitae), Labcorp
Classification: Uncertain significance for Epidermodysplasia verruciformis. Last evaluated: 2022-07-05. Review status: criteria provided, single submitter. Criteria: Invitae Variant Classification Sherloc (09022015). Collection method: clinical testing. Allele origin: germline.
Comment: This sequence change replaces cysteine, which is neutral and slightly polar, with arginine, which is basic and polar, at codon 540 of the TMC6 protein (p.Cys540Arg). This variant is present in population databases (no rsID available, gnomAD 0.02%). This variant has not been reported in the literature in individuals affected with TMC6-related conditions. ClinVar contains an entry for this variant (Variation ID: 1510003). Algorithms developed to predict the effect of missense changes on protein structure and function are either unavailable or do not agree on the potential impact of this missense change (SIFT: "Not Available"; PolyPhen-2: "Probably Damaging"; Align-GVGD: "Not Available"). In summary, the available evidence is currently insufficient to determine the role of this variant in disease. Therefore, it has been classified as a Variant of Uncertain Significance.

NM_001127198.5(TMC6):c.1618T>C (p.Cys540Arg)

Gene: TMC6 (transmembrane channel like 6; minus strand). Cytogenetic location: 17q25.3.
Variant type: single nucleotide variant.
Coding change: c.1618T>C on transcript NM_001127198.5 (MANE Select); coding-DNA position 1618, T replaced by C.
Protein change: p.Cys540Arg; replaces cysteine 540 with arginine.
Molecular consequence: missense variant. On other transcripts: non-coding transcript variant (4), intron variant (2).
Genome position (GRCh38, 1-based): chr17:78,120,750, A>G on the plus strand (T>C on the coding strand, the complement: TMC6 is on the minus strand). VCF-style: chr17-78120750-A-G. GRCh37 (hg19) VCF-style: chr17-76116831-A-G.
Other names: c.1618T>C, p.Cys540Arg (NM_001321185.1, NM_001374596.1, NM_001375353.1 and 2 more transcripts); c.1535+263T>C (NM_001374594.1, NM_001374593.1); c.1618T>C (NM_007267.6); short protein forms C540R.
Identifiers: ClinVar variation 1510003 (VCV001510003.6), dbSNP rs1290282651, ClinGen allele CA401227065.